The following is an entry in ClinVar:

NM_004370.6(COL12A1):c.4201T>C (p.Phe1401Leu)

Gene: COL12A1 (collagen type XII alpha 1 chain; minus strand). Cytogenetic location: 6q13.
Variant type: single nucleotide variant.
Coding change: c.4201T>C on transcript NM_004370.6 (MANE Select); coding-DNA position 4201, T replaced by C.
Protein change: p.Phe1401Leu; replaces phenylalanine 1401 with leucine.
Molecular consequence: missense variant.
Genome position (GRCh38, 1-based): chr6:75,148,444, A>G on the plus strand (T>C on the coding strand, the complement: COL12A1 is on the minus strand). VCF-style: chr6-75148444-A-G. GRCh37 (hg19) VCF-style: chr6-75858160-A-G.
Other names: c.709T>C, p.Phe237Leu (NM_080645.3); short protein forms F1401L, F237L.
Identifiers: ClinVar variation 1809834 (VCV001809834.1), dbSNP rs2533377816, ClinGen allele CA364745767.

ClinVar aggregate classification (germline): Uncertain significance (1 of 4 stars; one submission).

Submission:

GeneDx
Classification: Uncertain significance. Last evaluated: 2022-06-28. Review status: criteria provided, single submitter. Criteria: GeneDx Variant Classification Process June 2021. Collection method: clinical testing. Allele origin: germline. Affected: yes.
Comment: Not observed at significant frequency in large population cohorts (gnomAD); In silico analysis supports that this missense variant has a deleterious effect on protein structure/function; Has not been previously published as pathogenic or benign to our knowledge